The following is an entry in ClinVar:

ClinVar aggregate classification (germline): Conflicting classifications of pathogenicity. Review status: criteria provided, conflicting classifications (1 of 4 stars). 2 submissions from 2 submitters: Uncertain significance (1); Likely benign (1). Last evaluated 2025-05-11.

Allele frequency attached by ClinVar (database versions not stated): TOPMed 0.00001; ExAC 0.00002; gnomAD 0.00003; gnomAD exomes 0.00003.
gnomAD v4.1: 39 of 1,209,594 alleles (0.0032%); highest among the groups gnomAD compares: African/African-American, 0.007%; no homozygotes.

Submissions (2):

Labcorp Genetics (formerly Invitae), Labcorp
Classification: Uncertain significance. Last evaluated: 2025-05-11. Review status: criteria provided, single submitter. Criteria: Invitae Variant Classification Sherloc (09022015). Collection method: clinical testing. Allele origin: germline.
Comment: This sequence change replaces arginine, which is basic and polar, with glutamine, which is neutral and polar, at codon 228 of the DRP2 protein (p.Arg228Gln). This variant is present in population databases (rs771984587, gnomAD 0.02%). This variant has not been reported in the literature in individuals affected with DRP2-related conditions. ClinVar contains an entry for this variant (Variation ID: 2661055). Invitae Evidence Modeling of protein sequence and biophysical properties (such as structural, functional, and spatial information, amino acid conservation, physicochemical variation, residue mobility, and thermodynamic stability) indicates that this missense variant is not expected to disrupt DRP2 protein function with a negative predictive value of 80%. In summary, the available evidence is currently insufficient to determine the role of this variant in disease. Therefore, it has been classified as a Variant of Uncertain Significance.

CeGaT Center for Human Genetics Tuebingen
Classification: Likely benign. Last evaluated: 2023-12-01. Review status: criteria provided, single submitter. Criteria: CeGaT Center For Human Genetics Tuebingen Variant Classification Criteria Version 2. Collection method: clinical testing. Allele origin: germline. Affected: yes. Observed: 2 variant alleles.
Comment: DRP2: BP4, BS2

NM_001939.3(DRP2):c.683G>A (p.Arg228Gln)

Gene: DRP2 (dystrophin related protein 2; plus strand). Cytogenetic location: Xq22.1.
Variant type: single nucleotide variant.
Coding change: c.683G>A on transcript NM_001939.3 (MANE Select); coding-DNA position 683, G replaced by A.
Protein change: p.Arg228Gln; replaces arginine 228 with glutamine.
Molecular consequence: missense variant.
Genome position (GRCh38, 1-based): chrX:101,241,791, G>A. VCF-style: chrX-101241791-G-A. GRCh37 (hg19) VCF-style: chrX-100496780-G-A.
Other names: c.449G>A, p.Arg150Gln (NM_001171184.2); short protein forms R150Q, R228Q.
Identifiers: ClinVar variation 2661055 (VCV002661055.27), dbSNP rs771984587, ClinGen allele CA10472124.